The following is an entry in ClinVar:

NM_198576.4(AGRN):c.945C>A (p.Gly315=)

Gene: AGRN (agrin; plus strand). Cytogenetic location: 1p36.33.
Variant type: single nucleotide variant.
Coding change: c.945C>A on transcript NM_198576.4 (MANE Select); coding-DNA position 945, C replaced by A.
Protein change: p.Gly315=; no amino-acid change (glycine 315 retained).
Molecular consequence: synonymous variant.
Genome position (GRCh38, 1-based): chr1:1,041,390, C>A. VCF-style: chr1-1041390-C-A. GRCh37 (hg19) VCF-style: chr1-976770-C-A.
Other names: p.Gly315=; c.945C>A, p.Gly315= (NM_001305275.2); c.630C>A, p.Gly210= (NM_001364727.2).
Identifiers: ClinVar variation 4683477 (VCV004683477.1).

ClinVar aggregate classification (germline): Likely benign (1 of 4 stars; one submission).

gnomAD v4.1: 1 of 1,544,656 alleles (0.000065%); highest among the groups gnomAD compares: Non-Finnish European, 0.000087%; no homozygotes.

Submission:

Mayo Clinic Laboratories, Mayo Clinic
Classification: Likely benign. Last evaluated: 2025-03-04. Review status: criteria provided, single submitter. Criteria: ACMG Guidelines, 2015. Collection method: clinical testing. Allele origin: germline. Observed: 1 variant allele.
Comment: BP4, BP7